The following is an entry in ClinVar:

ClinVar aggregate classification (germline): Conflicting classifications of pathogenicity. Review status: criteria provided, conflicting classifications (1 of 4 stars). 2 submissions from 2 submitters: Uncertain significance (1); Likely benign (1). Last evaluated 2024-07-08.

Conditions:
Hereditary cancer-predisposing syndrome. Also called: Hereditary neoplastic syndrome; Tumor predisposition; Hereditary Cancer Syndrome; Neoplastic Syndromes, Hereditary. Identifiers: Orphanet 140162, MedGen C0027672, MeSH D009386, MONDO:0015356.
Hereditary breast ovarian cancer syndrome. Also called: Hereditary breast and ovarian cancer syndrome; BRCA1- and BRCA2-Associated Hereditary Breast and Ovarian Cancer; Hereditary breast and ovarian cancer syndrome (HBOC); Hereditary breast and/or ovarian cancer syndrome; Hereditary breast and ovarian cancer; Breast and ovarian cancer. Identifiers: Orphanet 145, MedGen C0677776, MeSH D061325, MONDO:0003582. Disease mechanism: loss of function.

Submissions (2):

Labcorp Genetics (formerly Invitae), Labcorp
Classification: Uncertain significance for Hereditary breast ovarian cancer syndrome. Last evaluated: 2024-07-08. Review status: criteria provided, single submitter. Criteria: Invitae Variant Classification Sherloc (09022015). Collection method: clinical testing. Allele origin: germline.
Comment: This sequence change replaces serine, which is neutral and polar, with glycine, which is neutral and non-polar, at codon 1328 of the BRCA2 protein (p.Ser1328Gly). This variant is not present in population databases (gnomAD no frequency). This variant has not been reported in the literature in individuals affected with BRCA2-related conditions. ClinVar contains an entry for this variant (Variation ID: 2125344). Advanced modeling of protein sequence and biophysical properties (such as structural, functional, and spatial information, amino acid conservation, physicochemical variation, residue mobility, and thermodynamic stability) performed at Invitae indicates that this missense variant is not expected to disrupt BRCA2 protein function with a negative predictive value of 95%. In summary, the available evidence is currently insufficient to determine the role of this variant in disease. Therefore, it has been classified as a Variant of Uncertain Significance.

University of Washington Department of Laboratory Medicine, University of Washington
Classification: Likely benign for Hereditary cancer-predisposing syndrome. Last evaluated: 2023-03-23. Review status: criteria provided, single submitter. Criteria: Dines et al. (Genet Med. 2020). Collection method: curation. Allele origin: germline.
Comment: Missense variant in a coldspot region where missense variants are very unlikely to be pathogenic (PMID:31911673).

BRCA2 exon 11 coldspot. Reclassification based on statistical prior probability.

NM_000059.4(BRCA2):c.3982A>G (p.Ser1328Gly)

Gene: BRCA2 (BRCA2 DNA repair associated; plus strand). Cytogenetic location: 13q13.1.
Variant type: single nucleotide variant.
Coding change: c.3982A>G on transcript NM_000059.4 (MANE Select); coding-DNA position 3982, A replaced by G.
Protein change: p.Ser1328Gly; replaces serine 1328 with glycine.
Molecular consequence: missense variant.
Genome position (GRCh38, 1-based): chr13:32,338,337, A>G. VCF-style: chr13-32338337-A-G. GRCh37 (hg19) VCF-style: chr13-32912474-A-G.
Other names: c.3982A>G, p.Ser1328Gly (NM_001406719.1, NM_001406720.1); short protein forms S1328G.
Identifiers: ClinVar variation 2125344 (VCV002125344.6), dbSNP rs1566229480, ClinGen allele CA387778957.
Genomic context (GRCh38, chr13:32,338,337, plus strand): 5'-GAAATTACTGAAAATTACAAGAGAAATACTGAAAATGAAGATAACAAATATACTGCTGCC[A>G]GTAGAAATTCTCATAACTTAGAATTTGATGGCAGTGATTCAAGTAAAAATGATACTGTTT-3'
Protein context (NP_000050.3, residues 1318-1338): ENEDNKYTAA[Ser1328Gly]RNSHNLEFDG